The following continues an entry in ClinVar:

NM_000059.4(BRCA2):c.6405_6409del (p.Asn2135fs)

Gene: BRCA2. ClinVar aggregate classification (germline): Pathogenic. Pathogenic (1).

Submissions 22 to 36 of 57:

Quest Diagnostics Nichols Institute San Juan Capistrano
Classification: Pathogenic. Last evaluated: 2023-09-19. Review status: criteria provided, single submitter. Criteria: Quest Diagnostics criteria. Collection method: clinical testing. Allele origin: unknown. Not counted in ClinVar's aggregate classification.
Comment: The BRCA2 c.6405_6409del (p.Asn2135Lysfs*3) variant alters the translational reading frame of the BRCA2 mRNA and causes the premature termination of BRCA2 protein synthesis. This variant has been reported in the published literature in multiple affected individuals and families with breast and/or ovarian cancer (PMIDs: 36169650 (2022), 33646313 (2021), 33151324 (2021), 32341426 (2020), 32318955 (2020), 31825140 (2019), 31742824 (2020), 31090900 (2019), 30720863 (2019), 30287823 (2018), 30262796 (2018), 30078507 (2018), 29625052 (2018), 29161300 (2017), 28993434 (2018), 28831036 (2017), 28724667 (2017), 28324225 (2017), 27741520 (2016), 27425403 (2016), 21324516 (2011), 18489799 (2008), 17063270 (2007), 11179017 (2001), and 8988179 (1997)). The variant has been reported in breast cancer cases as well as in a control individual in a large scale breast cancer association study (PMID: 33471991 (2021), see also LOVD). It has also been seen in biliary tract cancer (PMID: 36243179 (2022)), prostate cancer (PMIDs: 21952622 (2011) and 32853339 (2021)), and pancreatic cancer (PMID: 34399810 (2021)). The frequency of this variant in the general population, 0.0000042 (1/240630 chromosomes (Genome Aggregation Database)), is consistent with pathogenicity. Based on the available information, this variant is classified as pathogenic.

Blueprint Genetics
Classification: Pathogenic for BRCA2-related disorders. Last evaluated: 2023-08-21. Review status: criteria provided, single submitter. Criteria: ACMG Guidelines, 2015. Collection method: clinical testing. Allele origin: germline. Affected: yes. Observed: 4 variant alleles. Not counted in ClinVar's aggregate classification.

Revvity Omics, Revvity
Classification: Pathogenic. Last evaluated: 2022-11-29. Review status: criteria provided, single submitter. Criteria: ACMG Guidelines, 2015. Collection method: clinical testing. Allele origin: germline. Not counted in ClinVar's aggregate classification.

GeneDx
Classification: Pathogenic. Last evaluated: 2022-11-28. Review status: criteria provided, single submitter. Criteria: GeneDx Variant Classification Process June 2021. Collection method: clinical testing. Allele origin: germline. Affected: yes. Not counted in ClinVar's aggregate classification.
Comment: Frameshift variant predicted to result in protein truncation or nonsense mediated decay in a gene for which loss-of-function is a known mechanism of disease; Truncating variants in this gene are considered pathogenic by a well-established clinical consortium and/or database; Not observed at a significant frequency in large population cohorts (gnomAD); Also known as 6633_6637delCTTAA and 6633del5; This variant is associated with the following publications: (PMID: 21324516, 21952622, 11179017, 12845657, 10326698, 27425403, 30287823, 34657373, 32980694, 9971877, 8988179, 25863477, 26026974, 25802882, 26687385, 25330149, 26843898, 26439132, 17063270, 18489799, 19967274, 20104584, 24156927, 16684319, 10464601, 12442265, 28127413, 28152038, 28985766, 29161300, 28831036, 28324225, 28724667, 28993434, 29909963, 30720863, 30078507, 30262796, 30720243, 30702160, 31090900, 27741520, 29625052, 26689913, 32318955, 31447099, 32581362, 33646313, 33151324, 34399810, 31825140, 32719484, 30875412, 30787465, 31742824, 33087929, 32359129, 32853339, 32341426, 32438681, 30040829, 35264596, 33804961, 32772980, 32986223)

Clinical Genetics Laboratory, Skane University Hospital Lund
Classification: Pathogenic. Last evaluated: 2022-05-27. Review status: criteria provided, single submitter. Criteria: ACMG Guidelines, 2015. Collection method: clinical testing. Allele origin: germline. Affected: yes. Not counted in ClinVar's aggregate classification.

Dasa
Classification: Pathogenic for BRCA2-related disorder. Last evaluated: 2022-03-05. Review status: criteria provided, single submitter. Criteria: ACMG Guidelines, 2015. Collection method: clinical testing. Allele origin: germline. Affected: yes. Observed: 1 variant allele. Not counted in ClinVar's aggregate classification.
Comment: The c.6405_6409del;p.(Asn2135Lysfs*3) is a null frameshift variant (NMD) in the BRCA2 gene and predicts alteration of the nonsense-mediate decay - NMD is present in a relevant exon to the transcript - PVS1. This sequence change has been observed in affected individual(s) and ClinVar contains an entry for this variant (ClinVar ID: 38043; PMID: 21324516) - PS4. This variant is not present in population databases (rs80359584- gnomAD; ABraOM no frequency) - PM2. In summary, the currently available evidence indicates that the variant is pathogenic.

Sema4
Classification: Pathogenic for Hereditary cancer-predisposing syndrome. Last evaluated: 2021-11-22. Review status: criteria provided, single submitter. Criteria: Sema4 Curation Guidelines. Collection method: curation. Allele origin: germline. Not counted in ClinVar's aggregate classification.
Comment: The BRCA2 c.6405_6409del (p.N2135KfsX3) variant has been reported in heterozygosity in numerous individuals with breast, ovarian, or prostate cancer (PMID: 8988179, 21952622, 21324516, among others). It is also known as c.6402_6406delTAACT, 6630del5, and 6633del5 in the literature. This variant causes a frameshift at amino acid 2135 that results in premature termination 3 amino acids downstream. At this location, this is predicted to cause nonsense-mediated decay and result in an absent protein (loss of function). Loss of function variants in BRCA1 or BRCA2 are known to be pathogenic (PMID: 29446198). This variant was observed in 1/240630 chromosomes in the large and broad cohorts of the Genome Aggregation Database (PMID: 32461654). This variant has been reported in ClinVar (Variation ID: 38043). Based on the current evidence available, this variant is interpreted as pathogenic.

Institute for Clinical Genetics, University Hospital TU Dresden, University Hospital TU Dresden
Classification: Pathogenic. Last evaluated: 2021-11-03. Review status: criteria provided, single submitter. Criteria: ACMG Guidelines, 2015. Collection method: clinical testing. Allele origin: germline. Not counted in ClinVar's aggregate classification.

Greenwood Genetic Center Diagnostic Laboratories, Greenwood Genetic Center
Classification: Pathogenic. Last evaluated: 2021-03-02. Review status: criteria provided, single submitter. Criteria: ACMG Guidelines, 2015. Collection method: clinical testing. Allele origin: germline. Not counted in ClinVar's aggregate classification.
Comment: PVS1, PS4

Women's Health and Genetics/Laboratory Corporation of America, LabCorp
Classification: Pathogenic for Hereditary breast ovarian cancer syndrome. Last evaluated: 2021-01-09. Review status: criteria provided, single submitter. Criteria: LabCorp Variant Classification Summary - May 2015. Collection method: clinical testing. Allele origin: germline. Not counted in ClinVar's aggregate classification.
Comment: Variant summary: BRCA2 c.6405_6409delCTTAA (p.Asn2135LysfsX3) results in a premature termination codon, predicted to cause a truncation of the encoded protein or absence of the protein due to nonsense mediated decay, which are commonly known mechanisms for disease. Truncations downstream of this position have been classified as pathogenic by our laboratory. The variant allele was found at a frequency of 4.2e-06 in 240630 control chromosomes. c.6405_6409delCTTAA has been widely reported in the literature in multiple individuals affected with Hereditary Breast And Ovarian Cancer Syndrome (example, Rebbeck_2018). These data indicate that the variant is very likely to be associated with disease. Multiple clinical diagnostic laboratories and one expert panel (ENIGMA) have submitted clinical-significance assessments for this variant to ClinVar after 2014 without evidence for independent evaluation. All submitters classified the variant as pathogenic. Based on the evidence outlined above, the variant was classified as pathogenic.

Institute of Medical Genetics and Applied Genomics, University Hospital Tübingen
Classification: Pathogenic. Last evaluated: 2020-10-23. Review status: criteria provided, single submitter. Criteria: ACMG Guidelines, 2015. Collection method: clinical testing. Allele origin: germline. Inheritance: Autosomal unknown. Affected: yes. Not counted in ClinVar's aggregate classification.

Department of Molecular Diagnostics, Institute of Oncology Ljubljana
Classification: Pathogenic for Breast-ovarian cancer, familial, susceptibility to, 1. Last evaluated: 2020-04-02. Review status: criteria provided, single submitter. Criteria: ACMG Guidelines, 2015. Collection method: clinical testing. Allele origin: germline. Affected: yes. Not counted in ClinVar's aggregate classification.

Mendelics
Classification: Pathogenic for Breast-ovarian cancer, familial, susceptibility to, 2. Last evaluated: 2019-05-28. Review status: criteria provided, single submitter. Criteria: Mendelics Assertion Criteria 2017. Collection method: clinical testing. Allele origin: unknown. Not counted in ClinVar's aggregate classification.

CHEO Genetics Diagnostic Laboratory, Children's Hospital of Eastern Ontario
Classification: Pathogenic for Breast and/or ovarian cancer. Last evaluated: 2019-05-17. Review status: criteria provided, single submitter. Criteria: ACMG Guidelines, 2015. Collection method: clinical testing. Allele origin: germline. Not counted in ClinVar's aggregate classification.

Laboratory for Molecular Medicine, Mass General Brigham Personalized Medicine
Classification: Pathogenic for Hereditary breast ovarian cancer syndrome. Last evaluated: 2019-04-24. Review status: criteria provided, single submitter. Criteria: LMM Criteria. Collection method: clinical testing. Allele origin: germline. Inheritance: Autosomal dominant inheritance. Observed: 4 variant alleles. Not counted in ClinVar's aggregate classification.
Comment: The p.Asn2135LysfsX3 variant in BRCA2 has been reported in at least 12 individuals with BRCA2-associated cancers (Gayther 1997, Wagner 1999, Risch 2001, Gomes 2007, Machackova 2008, Kote-Jarai 2011, Zhang 2011, de Juan 2015, Hirotsu 2015, Breast Cancer Information Core database). This variant has also been identified in 1/240630 of pan-ethnic chromosomes by gnomAD. This frequency is low enough to be consistent with the frequency of hereditary breast and ovarian cancer (HBOC) in the general population. This variant is predicted to cause a frameshift, which alters the proteinâ€™s amino acid sequence beginning at position 2135 and leads to a premature termination codon 3 amino acids downstream. This alteration is then predicted to lead to a truncated or absent protein. Heterozygous loss of function of the BRCA2 gene is an established disease mechanism in autosomal dominant HBOC. In addition, this variant was classified as Pathogenic on April 22, 2016 by the ClinGen-approved ENIGMA expert panel (ClinVar SCV000282424.1). In summary, this variant meets criteria to be classified as pathogenic for HBOC in an autosomal dominant manner based upon the predicted impact to the protein, presence in multiple affected individuals and very low frequency in the general population. ACMG/AMP Criteria applied: PVS1, PS4_Moderate, PM2.